The following is an entry in ClinVar:

NM_001378778.1(MPDZ):c.3452G>A (p.Arg1151Gln)

Gene: MPDZ (multiple PDZ domain crumbs cell polarity complex component; minus strand). Cytogenetic location: 9p23.
Variant type: single nucleotide variant.
Coding change: c.3452G>A on transcript NM_001378778.1 (MANE Select); coding-DNA position 3452, G replaced by A.
Protein change: p.Arg1151Gln; replaces arginine 1151 with glutamine.
Molecular consequence: missense variant. On other transcripts: intron variant (1).
Genome position (GRCh38, 1-based): chr9:13,158,018, C>T on the plus strand (G>A on the coding strand, the complement: MPDZ is on the minus strand). VCF-style: chr9-13158018-C-T. GRCh37 (hg19) VCF-style: chr9-13158017-C-T.
Other names: c.3452G>A, p.Arg1151Gln (NM_001261406.2, NM_001261407.2, NM_001330637.2 and 13 more transcripts); c.3255-7330G>A (NM_001375427.1); short protein forms R1151Q.
Identifiers: ClinVar variation 1373674 (VCV001373674.5), dbSNP rs367828845, ClinGen allele CA4987115.

ClinVar aggregate classification (germline): Uncertain significance (1 of 4 stars; one submission).

Allele frequency attached by ClinVar (database versions not stated): TOPMed 0.00001; gnomAD exomes 0.00002; ESP Exome Variant Server 0.00008; ExAC 0.00001; gnomAD 0.00001.
gnomAD v4.1: 72 of 1,611,378 alleles (0.0045%); highest among the groups gnomAD compares: Middle Eastern, 0.016%; no homozygotes.

Submission:

Labcorp Genetics (formerly Invitae), Labcorp
Classification: Uncertain significance. Last evaluated: 2021-09-01. Review status: criteria provided, single submitter. Criteria: Invitae Variant Classification Sherloc (09022015). Collection method: clinical testing. Allele origin: germline.
Comment: This sequence change replaces arginine with glutamine at codon 1151 of the MPDZ protein (p.Arg1151Gln). The arginine residue is highly conserved and there is a small physicochemical difference between arginine and glutamine. This variant also falls at the last nucleotide of exon 24, which is part of the consensus splice site for this exon. This variant is present in population databases (rs367828845, ExAC 0.002%). This variant has not been reported in the literature in individuals affected with MPDZ-related conditions. Algorithms developed to predict the effect of missense changes on protein structure and function (SIFT, PolyPhen-2, Align-GVGD) all suggest that this variant is likely to be disruptive. Variants that disrupt the consensus splice site are a relatively common cause of aberrant splicing (PMID: 17576681, 9536098). Algorithms developed to predict the effect of sequence changes on RNA splicing suggest that this variant may disrupt the consensus splice site. In summary, the available evidence is currently insufficient to determine the role of this variant in disease. Therefore, it has been classified as a Variant of Uncertain Significance.

Literature cited by the submitters: PubMed 17576681; PubMed 9536098.